The following is an entry in ClinVar:

ClinVar aggregate classification (germline): Conflicting classifications of pathogenicity. Review status: criteria provided, conflicting classifications (1 of 4 stars). 4 submissions from 4 submitters: Uncertain significance (3); Likely benign (1). Last evaluated 2026-07-01.

Conditions:
Marinesco-Sjögren syndrome (MSS). Also called: Marinesco-SjÃ¶gren syndrome; Marinesco-Sjogren Syndrome. Identifiers: Orphanet 559, MedGen C0024814, MONDO:0009567, OMIM 248800.

Allele frequency attached by ClinVar (database versions not stated): gnomAD exomes below 0.00001; TOPMed below 0.00001; ExAC 0.00001.
gnomAD v4.1: 8 of 1,613,620 alleles (0.0005%); highest among the groups gnomAD compares: African/African-American, 0.0013%; no homozygotes.

Submissions (4):

CeGaT Center for Human Genetics Tuebingen
Classification: Likely benign. Last evaluated: 2026-07-01. Review status: criteria provided, single submitter. Criteria: CeGaT Center For Human Genetics Tuebingen Variant Classification Criteria Version 2. Collection method: clinical testing. Allele origin: germline. Affected: yes. Observed: 1 variant allele.
Comment: SIL1: BP4

Labcorp Genetics (formerly Invitae), Labcorp
Classification: Uncertain significance for Marinesco-Sjögren syndrome. Last evaluated: 2022-02-25. Review status: criteria provided, single submitter. Criteria: Invitae Variant Classification Sherloc (09022015). Collection method: clinical testing. Allele origin: germline.
Comment: This sequence change replaces alanine, which is neutral and non-polar, with valine, which is neutral and non-polar, at codon 387 of the SIL1 protein (p.Ala387Val). This variant is present in population databases (rs753439841, gnomAD 0.003%). This variant has not been reported in the literature in individuals affected with SIL1-related conditions. ClinVar contains an entry for this variant (Variation ID: 351075). Algorithms developed to predict the effect of missense changes on protein structure and function (SIFT, PolyPhen-2, Align-GVGD) all suggest that this variant is likely to be tolerated. In summary, the available evidence is currently insufficient to determine the role of this variant in disease. Therefore, it has been classified as a Variant of Uncertain Significance.

Revvity Omics, Revvity
Classification: Uncertain significance for Marinesco-Sjögren syndrome. Last evaluated: 2021-05-24. Review status: criteria provided, single submitter. Criteria: ACMG Guidelines, 2015. Collection method: clinical testing. Allele origin: germline.

Illumina Laboratory Services, Illumina
Classification: Uncertain significance for Marinesco-Sjögren syndrome. Last evaluated: 2018-01-13. Review status: criteria provided, single submitter. Criteria: ICSL Variant Classification Criteria 13 December 2019. Collection method: clinical testing. Allele origin: germline.

NM_022464.5(SIL1):c.1160C>T (p.Ala387Val)

Gene: SIL1 (SIL1 nucleotide exchange factor; minus strand). Cytogenetic location: 5q31.2.
Variant type: single nucleotide variant.
Coding change: c.1160C>T on transcript NM_022464.5 (MANE Select); coding-DNA position 1160, C replaced by T.
Protein change: p.Ala387Val; replaces alanine 387 with valine.
Molecular consequence: missense variant.
Genome position (GRCh38, 1-based): chr5:138,947,343, G>A on the plus strand (C>T on the coding strand, the complement: SIL1 is on the minus strand). VCF-style: chr5-138947343-G-A. GRCh37 (hg19) VCF-style: chr5-138283032-G-A.
Other names: c.1160C>T, p.Ala387Val (NM_001037633.2); short protein forms A387V.
Identifiers: ClinVar variation 351075 (VCV000351075.9), dbSNP rs753439841, ClinGen allele CA3432360.
Genomic context (GRCh38, chr5:138,947,343, plus strand): 5'-GTGGTCAGGAGGACGCCCAGTGTCTGCAGCACCTTCTCACGGGCATCATGCTCGGGCAGC[G>A]CCAGGAGGTGGGCCGTGATCTCGCACCAGCCCTGTTCCCACAGGCCTGGCAGGAGGTGTA-3'
Protein context (NP_071909.1, residues 377-397): GWCEITAHLL[Ala387Val]LPEHDAREKV